The following is an entry in ClinVar:

ClinVar aggregate classification (germline): Likely benign. Review status: criteria provided, multiple submitters, no conflicts (2 of 4 stars). 2 submissions from 2 submitters: Likely benign (2). Last evaluated 2024-09-15.

Allele frequency attached by ClinVar (database versions not stated): gnomAD exomes 0.00002 and 0.00008; ExAC 0.00011; 1000 Genomes Project 30x 0.00016; 1000 Genomes Project 0.00020; TOPMed 0.00031; gnomAD 0.00033 and 0.00036; ESP Exome Variant Server 0.00047.
gnomAD v4.1: 87 of 1,603,104 alleles (0.0054%); highest among the groups gnomAD compares: African/African-American, 0.11%; no homozygotes.

Submissions (2):

Labcorp Genetics (formerly Invitae), Labcorp
Classification: Likely benign. Last evaluated: 2024-09-15. Review status: criteria provided, single submitter. Criteria: Invitae Variant Classification Sherloc (09022015). Collection method: clinical testing. Allele origin: germline.

GeneDx
Classification: Likely benign. Last evaluated: 2018-05-01. Review status: criteria provided, single submitter. Criteria: GeneDx Variant Classification (06012015). Collection method: clinical testing. Allele origin: germline. Affected: yes.
Comment: This variant is considered likely benign or benign based on one or more of the following criteria: it is a conservative change, it occurs at a poorly conserved position in the protein, it is predicted to be benign by multiple in silico algorithms, and/or has population frequency not consistent with disease.

NM_001042545.2(LTBP4):c.2179+12G>A

Gene: LTBP4 (latent transforming growth factor beta binding protein 4; plus strand). Cytogenetic location: 19q13.2.
Variant type: single nucleotide variant.
Coding change: c.2179+12G>A on transcript NM_001042545.2 (MANE Select); 12 bases into the intron after coding-DNA position 2179, G replaced by A.
Molecular consequence: intron variant.
Genome position (GRCh38, 1-based): chr19:40,611,996, G>A. VCF-style: chr19-40611996-G-A. GRCh37 (hg19) VCF-style: chr19-41117902-G-A.
Other names: c.2269+12G>A (NM_003573.2); c.2380+12G>A (NM_001042544.1).
Identifiers: ClinVar variation 682440 (VCV000682440.6), dbSNP rs368579878, ClinGen allele CA9448555.